The following is an entry in ClinVar:

NM_001206927.2(DNAH8):c.10302dup (p.Leu3435fs)

Genes: DNAH8-AS1 (DNAH8 antisense RNA 1; minus strand), DNAH8 (dynein axonemal heavy chain 8; plus strand). Cytogenetic location: 6p21.2.
Variant type: Duplication.
Coding change: c.10302dup on transcript NM_001206927.2 (MANE Select); coding-DNA position 10302, one base duplicated (A; older notation c.10302dupA).
Protein change: p.Leu3435fs; shifts the reading frame from leucine 3435.
Molecular consequence: frameshift variant.
Genome position (GRCh38, 1-based): chr6:38,917,400, A duplicated. VCF-style (leftmost placement, unchanged base first): chr6-38917399-C-CA. GRCh37 (hg19) VCF-style: chr6-38885175-C-CA.
Other names: c.9651dup, p.Leu3218fs (NM_001371.4); short protein forms L3218fs, L3435fs.
Identifiers: ClinVar variation 3651900 (VCV003651900.2).
Genomic context (GRCh38, chr6:38,917,399, plus strand): 5'-AAATTGACCCTGTTACTATGGATCCAGAAAAATCTTGCTGTAAGCCATCATGGGGAGAGT[C>CA]ATTAAAGGTAAGTAAAATCTATCATTGTCAATCCTATGAGCTGCATCAGGCGTCCTCAGC-3'

ClinVar aggregate classification (germline): Pathogenic (1 of 4 stars; one submission).

Conditions:
Primary ciliary dyskinesia. Also called: Ciliary dyskinesia. Identifiers: Orphanet 244, MedGen C0008780, MONDO:0016575, HP:0012265.

Submission:

Labcorp Genetics (formerly Invitae), Labcorp
Classification: Pathogenic for Primary ciliary dyskinesia. Last evaluated: 2024-05-02. Review status: criteria provided, single submitter. Criteria: Invitae Variant Classification Sherloc (09022015). Collection method: clinical testing. Allele origin: germline.
Comment: This sequence change creates a premature translational stop signal (p.Leu3435Ilefs*18) in the DNAH8 gene. It is expected to result in an absent or disrupted protein product. Loss-of-function variants in DNAH8 are known to be pathogenic (PMID: 24307375, 32619401, 32681648). This variant is not present in population databases (gnomAD no frequency). This variant has not been reported in the literature in individuals affected with DNAH8-related conditions. For these reasons, this variant has been classified as Pathogenic.

Literature cited by the submitters: PubMed 24307375; PubMed 32619401; PubMed 32681648.